The following is an entry in ClinVar:

NM_000075.4(CDK4):c.798G>A (p.Glu266=)

Genes: TSPAN31 (tetraspanin 31; plus strand), CDK4 (cyclin dependent kinase 4; minus strand). Cytogenetic location: 12q14.1.
Variant type: single nucleotide variant.
Coding change: c.798G>A on transcript NM_000075.4 (MANE Select); coding-DNA position 798, G replaced by A.
Protein change: p.Glu266=; no amino-acid change (glutamic acid 266 retained).
Molecular consequence: synonymous variant. On other transcripts: 3 prime UTR variant (3).
Genome position (GRCh38, 1-based): chr12:57,749,203, C>T on the plus strand (G>A on the coding strand, the complement: CDK4 is on the minus strand). VCF-style: chr12-57749203-C-T. GRCh37 (hg19) VCF-style: chr12-58142986-C-T.
Other names: c.*1913C>T (NM_001330168.2, NM_001330169.2, NM_005981.5).
Identifiers: ClinVar variation 414927 (VCV000414927.17), dbSNP rs780522588, ClinGen allele CA16613840.

ClinVar aggregate classification (germline): Benign/Likely benign. Review status: criteria provided, multiple submitters, no conflicts (2 of 4 stars). 4 submissions from 4 submitters: Benign (1); Likely benign (3). Last evaluated 2025-12-22.

Conditions:
Familial melanoma. Also called: Hereditary melanoma; Hereditary cutaneous melanoma. Identifiers: Orphanet 618, MedGen C1512419, MONDO:0018961.
Hereditary cancer-predisposing syndrome. Also called: Tumor predisposition; Neoplastic Syndromes, Hereditary; Hereditary neoplastic syndrome; Hereditary Cancer Syndrome. Identifiers: Orphanet 140162, MedGen C0027672, MeSH D009386, MONDO:0015356.
Melanoma, cutaneous malignant, susceptibility to, 3. Also called: Cutaneous malignant melanoma 3. Identifiers: Orphanet 618, MedGen C1836892, MONDO:0012183, OMIM 609048.

Allele frequency attached by ClinVar (database versions not stated): TOPMed below 0.00001; gnomAD 0.00001.

Submissions (4):

Labcorp Genetics (formerly Invitae), Labcorp
Classification: Likely benign for Familial melanoma. Last evaluated: 2025-12-22. Review status: criteria provided, single submitter. Criteria: Invitae Variant Classification Sherloc (09022015). Collection method: clinical testing. Allele origin: germline.

Myriad Genetics, Inc.
Classification: Benign for Melanoma, cutaneous malignant, susceptibility to, 3. Last evaluated: 2024-09-26. Review status: criteria provided, single submitter. Criteria: Myriad Autosomal Dominant, Autosomal Recessive and X-Linked Classification Criteria (2023). Collection method: clinical testing. Allele origin: unknown.
Comment: This variant is considered benign. This variant is a silent/synonymous amino acid change and it is not expected to impact splicing.

Ambry Genetics
Classification: Likely benign for Hereditary cancer-predisposing syndrome. Last evaluated: 2022-03-19. Review status: criteria provided, single submitter. Criteria: Ambry Variant Classification Scheme 2023. Collection method: clinical testing. Allele origin: germline.

Quest Diagnostics Nichols Institute San Juan Capistrano
Classification: Likely benign. Last evaluated: 2021-01-12. Review status: criteria provided, single submitter. Criteria: Quest Diagnostics criteria. Collection method: clinical testing. Allele origin: unknown.